The following is an entry in ClinVar:

NM_020750.3(XPO5):c.3058A>G (p.Lys1020Glu)

Genes: POLR1C (RNA polymerase I and III subunit C; plus strand), XPO5 (exportin 5; minus strand). Cytogenetic location: 6p21.1.
Variant type: single nucleotide variant.
Coding change: c.3058A>G on transcript NM_020750.3 (MANE Select); coding-DNA position 3058, A replaced by G.
Protein change: p.Lys1020Glu; replaces lysine 1020 with glutamic acid.
Molecular consequence: missense variant. On other transcripts: non-coding transcript variant (1), intron variant (2).
Genome position (GRCh38, 1-based): chr6:43,525,847, T>C on the plus strand (A>G on the coding strand, the complement: XPO5 is on the minus strand). VCF-style: chr6-43525847-T-C. GRCh37 (hg19) VCF-style: chr6-43493585-T-C.
Other names: c.922+4799T>C (NM_001363658.2); c.923-3402T>C (NM_001318876.2); short protein forms K1020E.
Identifiers: ClinVar variation 3677821 (VCV003677821.2).

ClinVar aggregate classification (germline): Uncertain significance (1 of 4 stars; one submission).

gnomAD v4.1: 1 of 1,614,028 alleles (0.000062%); highest among the groups gnomAD compares: Non-Finnish European, 0.000085%; no homozygotes.

Submission:

Labcorp Genetics (formerly Invitae), Labcorp
Classification: Uncertain significance. Last evaluated: 2024-07-04. Review status: criteria provided, single submitter. Criteria: Invitae Variant Classification Sherloc (09022015). Collection method: clinical testing. Allele origin: germline.
Comment: This sequence change replaces lysine, which is basic and polar, with glutamic acid, which is acidic and polar, at codon 1020 of the XPO5 protein (p.Lys1020Glu). This variant is not present in population databases (gnomAD no frequency). This variant has not been reported in the literature in individuals affected with XPO5-related conditions. An algorithm developed to predict the effect of missense changes on protein structure and function (PolyPhen-2) suggests that this variant is likely to be tolerated. In summary, the available evidence is currently insufficient to determine the role of this variant in disease. Therefore, it has been classified as a Variant of Uncertain Significance.